The following is an entry in ClinVar:

NM_000287.4(PEX6):c.1891del (p.Val631fs)

Gene: PEX6 (peroxisomal biogenesis factor 6; minus strand). Cytogenetic location: 6p21.1.
Variant type: Deletion.
Coding change: c.1891del on transcript NM_000287.4 (MANE Select); coding-DNA position 1891, one base deleted (G; older notation c.1891delG).
Protein change: p.Val631fs; shifts the reading frame from valine 631.
Molecular consequence: frameshift variant. On other transcripts: non-coding transcript variant (1).
Genome position (GRCh38, 1-based): chr6:42,966,852, C deleted on the plus strand (G on the coding strand, the reverse complement: PEX6 is on the minus strand). VCF-style (leftmost placement, unchanged base first): chr6-42966851-AC-A. GRCh37 (hg19) VCF-style: chr6-42934589-AC-A.
Other names: c.1891del (NM_000287.3); c.1627del, p.Val543fs (NM_001316313.2); short protein forms V543fs, V631fs.
Identifiers: ClinVar variation 1363836 (VCV001363836.9), dbSNP rs2114241031, ClinGen allele CA2573140755.

ClinVar aggregate classification (germline): Pathogenic/Likely pathogenic. Review status: criteria provided, multiple submitters, no conflicts (2 of 4 stars). 4 submissions from 4 submitters: Pathogenic (3); Likely pathogenic (1). Last evaluated 2024-10-29.

Conditions:
Peroxisome biogenesis disorder. Identifiers: Orphanet 79189, MedGen C1832200, MONDO:0019234. Disease mechanism: loss of function.
Heimler syndrome 2 (HMLR2). Also called: PEROXISOME BIOGENESIS DISORDER 4C. Identifiers: Orphanet 3220, MedGen C4225267, OMIM 616617, MONDO:0014709.
Zellweger spectrum disorders (ZS). Also called: Zellweger syndrome; Zellweger Spectrum Disorder (ZSD); Zellweger Spectrum Disorder; Zellweger Spectrum. Identifiers: Orphanet 912, MedGen C0043459, MONDO:0019609.

Submissions (4):

Myriad Genetics, Inc.
Classification: Pathogenic for Peroxisome biogenesis disorder. Last evaluated: 2024-10-29. Review status: criteria provided, single submitter. Criteria: Myriad Autosomal Dominant, Autosomal Recessive and X-Linked Classification Criteria (2023). Collection method: clinical testing. Allele origin: unknown.
Comment: NM_000287.3(PEX6):c.1891delG(V631Wfs*2) is expected to be pathogenic in the context of peroxisome biogenesis disorder type 4. This variant is predicted to lead to an abnormal or absent protein product due to the creation of a premature termination codon in PEX6, a gene where loss-of-function variants are known to be pathogenic. Please note: this variant was assessed in the context of healthy population screening.

Natera, Inc.
Classification: Likely pathogenic for Zellweger syndrome. Last evaluated: 2024-06-24. Review status: criteria provided, single submitter. Criteria: Natera Variant Classification Schema (03/2026). Collection method: clinical testing. Allele origin: germline.
Comment: The c.1891del variant in PEX6 is a frameshift variant predicted to shift the reading frame beginning at codon 631 and leads to a stop codon 2 codons downstream. This variant is expected to result in nonsense mediated decay, truncation, or a dysfunctional protein product. This variant is rare in the general population with a frequency below the threshold expected for the associated phenotype(s). Given the available evidence, this variant is classified as Likely Pathogenic.

Baylor Genetics
Classification: Pathogenic for Heimler syndrome 2. Last evaluated: 2024-01-24. Review status: criteria provided, single submitter. Criteria: ACMG Guidelines, 2015. Collection method: clinical testing. Allele origin: unknown.

Labcorp Genetics (formerly Invitae), Labcorp
Classification: Pathogenic for Peroxisome biogenesis disorder. Last evaluated: 2023-08-17. Review status: criteria provided, single submitter. Criteria: Invitae Variant Classification Sherloc (09022015). Collection method: clinical testing. Allele origin: germline.
Comment: For these reasons, this variant has been classified as Pathogenic. ClinVar contains an entry for this variant (Variation ID: 1363836). This premature translational stop signal has been observed in individual(s) with Zellweger spectrum disorders (PMID: 28857144). This variant is not present in population databases (gnomAD no frequency). This sequence change creates a premature translational stop signal (p.Val631Trpfs*2) in the PEX6 gene. It is expected to result in an absent or disrupted protein product. Loss-of-function variants in PEX6 are known to be pathogenic (PMID: 10408779, 21031596, 31831025).

Literature cited by the submitters: PubMed 28857144 (cited by Labcorp Genetics (formerly Invitae), Labcorp); PubMed 10408779 (cited by Labcorp Genetics (formerly Invitae), Labcorp); PubMed 21031596 (cited by Labcorp Genetics (formerly Invitae), Labcorp); PubMed 31831025 (cited by Labcorp Genetics (formerly Invitae), Labcorp).